The following is an entry in ClinVar:

ClinVar aggregate classification (germline): Uncertain significance (1 of 4 stars; one submission).

Allele frequency attached by ClinVar (database versions not stated): TOPMed below 0.00001.

Submission:

Labcorp Genetics (formerly Invitae), Labcorp
Classification: Uncertain significance. Last evaluated: 2020-08-08. Review status: criteria provided, single submitter. Criteria: Invitae Variant Classification Sherloc (09022015). Collection method: clinical testing. Allele origin: germline.
Comment: This variant has not been reported in the literature in individuals with CNGB3-related conditions. This variant is not present in population databases (ExAC no frequency). This sequence change replaces aspartic acid with glycine at codon 718 of the CNGB3 protein (p.Asp718Gly). The aspartic acid residue is weakly conserved and there is a moderate physicochemical difference between aspartic acid and glycine. Advanced modeling of protein sequence and biophysical properties (such as structural, functional, and spatial information, amino acid conservation, physicochemical variation, residue mobility, and thermodynamic stability) performed at Invitae indicates that this missense variant is not expected to disrupt CNGB3 protein function. In summary, the available evidence is currently insufficient to determine the role of this variant in disease. Therefore, it has been classified as a Variant of Uncertain Significance. Algorithms developed to predict the effect of sequence changes on RNA splicing suggest that this variant may create or strengthen a splice site, but this prediction has not been confirmed by published transcriptional studies.

NM_019098.5(CNGB3):c.2153A>G (p.Asp718Gly)

Gene: CNGB3 (cyclic nucleotide gated channel subunit beta 3; minus strand). Cytogenetic location: 8q21.3.
Variant type: single nucleotide variant.
Coding change: c.2153A>G on transcript NM_019098.5 (MANE Select); coding-DNA position 2153, A replaced by G.
Protein change: p.Asp718Gly; replaces aspartic acid 718 with glycine.
Molecular consequence: missense variant.
Genome position (GRCh38, 1-based): chr8:86,576,081, T>C on the plus strand (A>G on the coding strand, the complement: CNGB3 is on the minus strand). VCF-style: chr8-86576081-T-C. GRCh37 (hg19) VCF-style: chr8-87588309-T-C.
Other names: short protein forms D718G.
Identifiers: ClinVar variation 1051867 (VCV001051867.9), dbSNP rs1209870012, ClinGen allele CA371446561.
Genomic context (GRCh38, chr8:86,576,081, plus strand): 5'-TCATTTTCTTTTCCTTTATCTTCATTTTCTTTTTGTTTATCTTCATTTTCTTTTTGTTTA[T>C]CTTCATTTTCTTTTCCTTCTTCCTCTCCTCCTTCAGAATTTTCTTTCTTCTGGAAGGAGC-3'
Protein context (NP_061971.3, residues 708-728): GGEEEGKENE[Asp718Gly]KQKENEDKQK